The following is an entry in ClinVar:

NM_024537.4(CARS2):c.666C>A (p.Asp222Glu)

Gene: CARS2 (cysteinyl-tRNA synthetase 2, mitochondrial; minus strand). Cytogenetic location: 13q34.
Variant type: single nucleotide variant.
Coding change: c.666C>A on transcript NM_024537.4 (MANE Select); coding-DNA position 666, C replaced by A.
Protein change: p.Asp222Glu; replaces aspartic acid 222 with glutamic acid.
Molecular consequence: missense variant. On other transcripts: 5 prime UTR variant (1), non-coding transcript variant (2).
Genome position (GRCh38, 1-based): chr13:110,677,093, G>T on the plus strand (C>A on the coding strand, the complement: CARS2 is on the minus strand). VCF-style: chr13-110677093-G-T. GRCh37 (hg19) VCF-style: chr13-111329440-G-T.
Other names: c.-121C>A (NM_001352252.2); c.666C>A, p.Asp222Glu (NM_001352253.3); short protein forms D222E.
Identifiers: ClinVar variation 938663 (VCV000938663.7), dbSNP rs1555351973, ClinGen allele CA388735449.

ClinVar aggregate classification (germline): Uncertain significance (1 of 4 stars; one submission).

Conditions:
Combined oxidative phosphorylation defect type 27. Also called: Combined oxidative phosphorylation deficiency 27. Identifiers: Orphanet 477774, MedGen C5567608, MONDO:0014728, OMIM 616672.

gnomAD v4.1: 1 of 1,607,074 alleles (0.000062%); highest among the groups gnomAD compares: Admixed American, 0.0017%; no homozygotes.

Submission:

Labcorp Genetics (formerly Invitae), Labcorp
Classification: Uncertain significance for Combined oxidative phosphorylation defect type 27. Last evaluated: 2022-02-10. Review status: criteria provided, single submitter. Criteria: Invitae Variant Classification Sherloc (09022015). Collection method: clinical testing. Allele origin: germline.
Comment: In summary, the available evidence is currently insufficient to determine the role of this variant in disease. Therefore, it has been classified as a Variant of Uncertain Significance. Algorithms developed to predict the effect of missense changes on protein structure and function (SIFT, PolyPhen-2, Align-GVGD) all suggest that this variant is likely to be tolerated. ClinVar contains an entry for this variant (Variation ID: 938663). This variant has not been reported in the literature in individuals affected with CARS2-related conditions. This variant is not present in population databases (gnomAD no frequency). This sequence change replaces aspartic acid, which is acidic and polar, with glutamic acid, which is acidic and polar, at codon 222 of the CARS2 protein (p.Asp222Glu).